The following is an entry in ClinVar:

ClinVar aggregate classification (germline): Likely benign. Review status: criteria provided, multiple submitters, no conflicts (2 of 4 stars). 2 submissions from 2 submitters: Likely benign (2). Last evaluated 2023-02-07.

Conditions:
Dilated cardiomyopathy 1G (CMD1G). Identifiers: Orphanet 154, MedGen C1858763, MONDO:0011400, OMIM 604145.
Autosomal recessive limb-girdle muscular dystrophy type 2J (LGMDR10). Also called: Limb-girdle muscular dystrophy, type 2J; MUSCULAR DYSTROPHY, LIMB-GIRDLE, AUTOSOMAL RECESSIVE 10. Identifiers: Orphanet 140922, MedGen C1837342, MONDO:0012127, OMIM 608807.

Allele frequency attached by ClinVar (database versions not stated): gnomAD exomes below 0.00001 and 0.00001.
gnomAD v4.1: 1 of 1,561,734 alleles (0.000064%); highest among the groups gnomAD compares: Non-Finnish European, 0.000088%; no homozygotes.

Submissions (2):

Labcorp Genetics (formerly Invitae), Labcorp
Classification: Likely benign for Dilated cardiomyopathy 1G; Autosomal recessive limb-girdle muscular dystrophy type 2J. Last evaluated: 2023-02-07. Review status: criteria provided, single submitter. Criteria: Invitae Variant Classification Sherloc (09022015). Collection method: clinical testing. Allele origin: germline.

GeneDx
Classification: Likely benign. Last evaluated: 2017-12-06. Review status: criteria provided, single submitter. Criteria: GeneDx Variant Classification (06012015). Collection method: clinical testing. Allele origin: germline. Affected: yes.
Comment: This variant is considered likely benign or benign based on one or more of the following criteria: it is a conservative change, it occurs at a poorly conserved position in the protein, it is predicted to be benign by multiple in silico algorithms, and/or has population frequency not consistent with disease.

NM_001267550.2(TTN):c.8902+18T>A

Gene: TTN (titin; minus strand). Cytogenetic location: 2q31.2.
Variant type: single nucleotide variant.
Coding change: c.8902+18T>A on transcript NM_001267550.2 (MANE Select); 18 bases into the intron after coding-DNA position 8902, T replaced by A.
Molecular consequence: intron variant.
Genome position (GRCh38, 1-based): chr2:178,769,661, A>T on the plus strand (T>A on the coding strand, the complement: TTN is on the minus strand). VCF-style: chr2-178769661-A-T. GRCh37 (hg19) VCF-style: chr2-179634388-A-T.
Other names: c.8764+18T>A (NM_003319.4, NM_133437.4, NM_133432.3); c.8902+18T>A (NM_133378.4, NM_001256850.1, NM_133379.5).
Identifiers: ClinVar variation 378925 (VCV000378925.4), dbSNP rs1057520411, ClinGen allele CA16604049.